The following is an entry in ClinVar:

ClinVar aggregate classification (germline): Uncertain significance (1 of 4 stars; one submission).

Conditions:
Primary ciliary dyskinesia 6. Also called: Primary Ciliary Dyskinesia 6: TXNDC3-Related Primary Ciliary Dyskinesia. Identifiers: Orphanet 244, MedGen C1970506, MONDO:0012571, OMIM 610852.

Allele frequency attached by ClinVar (database versions not stated): ExAC 0.00001; gnomAD 0.00001; gnomAD exomes 0.00001.
gnomAD v4.1: 15 of 1,613,730 alleles (0.00093%); highest among the groups gnomAD compares: African/African-American, 0.0013%; no homozygotes.

Submission:

Labcorp Genetics (formerly Invitae), Labcorp
Classification: Uncertain significance for Primary ciliary dyskinesia 6. Last evaluated: 2022-06-13. Review status: criteria provided, single submitter. Criteria: Invitae Variant Classification Sherloc (09022015). Collection method: clinical testing. Allele origin: germline.
Comment: This sequence change replaces alanine, which is neutral and non-polar, with proline, which is neutral and non-polar, at codon 530 of the NME8 protein (p.Ala530Pro). This variant is present in population databases (rs536891365, gnomAD 0.002%). This variant has not been reported in the literature in individuals affected with NME8-related conditions. ClinVar contains an entry for this variant (Variation ID: 651277). Algorithms developed to predict the effect of missense changes on protein structure and function (SIFT, PolyPhen-2, Align-GVGD) all suggest that this variant is likely to be tolerated. Algorithms developed to predict the effect of sequence changes on RNA splicing suggest that this variant may disrupt the consensus splice site. In summary, the available evidence is currently insufficient to determine the role of this variant in disease. Therefore, it has been classified as a Variant of Uncertain Significance.

NM_016616.5(NME8):c.1588G>C (p.Ala530Pro)

Gene: NME8 (NME/NM23 family member 8; plus strand). Cytogenetic location: 7p14.1.
Variant type: single nucleotide variant.
Coding change: c.1588G>C on transcript NM_016616.5 (MANE Select); coding-DNA position 1588, G replaced by C.
Protein change: p.Ala530Pro; replaces alanine 530 with proline.
Molecular consequence: missense variant.
Genome position (GRCh38, 1-based): chr7:37,896,913, G>C. VCF-style: chr7-37896913-G-C. GRCh37 (hg19) VCF-style: chr7-37936515-G-C.
Other names: short protein forms A530P.
Identifiers: ClinVar variation 651277 (VCV000651277.8), dbSNP rs536891365, ClinGen allele CA4222574.
Genomic context (GRCh38, chr7:37,896,913, plus strand): 5'-AGCACCGTTCTTTGCAGGGGTCCATCTATGGTCATGATTCTGACCAAGTGGAATGCTGTT[G>C]CAGAATGGAGACGATTGATGGGCCCAACAGACCCAGAAGAAGCAAAATTACTTTCCCCTG-3'
Protein context (NP_057700.3, residues 520-540): VMILTKWNAV[Ala530Pro]EWRRLMGPTD